The following is an entry in ClinVar:

NM_001005271.3(CHD3):c.222GCC[8] (p.Pro82_Leu83insPro)

Genes: CHD3 (chromodomain helicase DNA binding protein 3; plus strand), NAA38 (N-alpha-acetyltransferase 38, NatC auxiliary subunit; minus strand). Cytogenetic location: 17p13.1.
Variant type: Microsatellite.
Coding change: c.222GCC[8] on transcript NM_001005271.3; eight copies in a row of the 3-base unit GCC starting at c.222; the reference has seven copies in a row; one copy, 3 bases duplicated.
Protein change: p.Pro82_Leu83insPro.
Molecular consequence: inframe insertion. On other transcripts: intron variant (1).
Genome position (GRCh38, 1-based): chr17:7,885,046-7,885,048, GCC duplicated; duplicating any 3 consecutive bases within chr17:7,885,026-7,885,048 gives the same sequence; the position shown is the placement nearest the transcript's 3' end. VCF-style (leftmost placement, unchanged base first): chr17-7885025-C-CCCG. GRCh37 (hg19) VCF-style: chr17-7788343-C-CCCG.
Other names: c.222GCC[8], p.Pro82_Leu83insPro (NM_001437504.1, NM_001437507.1, NM_001437508.1 and 1 more transcripts); c.-167+119CGG[8] (NM_001330111.2).
Identifiers: ClinVar variation 1210084 (VCV001210084.20), dbSNP rs759738955, ClinGen allele CA497950038.

ClinVar aggregate classification (germline): Benign/Likely benign. Review status: criteria provided, multiple submitters, no conflicts (2 of 4 stars). 4 submissions from 4 submitters: Benign (1); Likely benign (1). 2 of the submissions do not count toward it. Last evaluated 2026-08-01.

Submissions (4):

CeGaT Center for Human Genetics Tuebingen
Classification: Benign. Last evaluated: 2026-08-01. Review status: criteria provided, single submitter. Criteria: CeGaT Center For Human Genetics Tuebingen Variant Classification Criteria Version 2. Collection method: clinical testing. Allele origin: germline. Affected: yes. Observed: 24 variant alleles.
Comment: CHD3: BS1, BS2

Labcorp Genetics (formerly Invitae), Labcorp
Classification: Likely benign. Last evaluated: 2026-01-04. Review status: criteria provided, single submitter. Criteria: Invitae Variant Classification Sherloc (09022015). Collection method: clinical testing. Allele origin: germline.

Clinical Genetics DNA and cytogenetics Diagnostics Lab, Erasmus MC, Erasmus Medical Center
Classification: Benign. Review status: no assertion criteria provided. Collection method: clinical testing. Allele origin: germline. Affected: yes. Study: VKGL Data-share Consensus. Not counted in ClinVar's aggregate classification.

Genome Diagnostics Laboratory, Amsterdam University Medical Center
Classification: Benign. Review status: no assertion criteria provided. Collection method: clinical testing. Allele origin: germline. Affected: yes. Study: VKGL Data-share Consensus. Not counted in ClinVar's aggregate classification.